The following is an entry in ClinVar:

ClinVar aggregate classification (germline): Uncertain significance (0 of 4 stars; one submission).

Conditions:
VPS13B-related disorder. Also called: VPS13B-related condition.

Allele frequency attached by ClinVar (database versions not stated): gnomAD 0.00001; TOPMed 0.00002.
gnomAD v4.1: 1 of 1,476,474 alleles (0.000068%); highest among the groups gnomAD compares: Non-Finnish European, 0.00009%; no homozygotes.

Submission:

PreventionGenetics, part of Exact Sciences
Classification: Uncertain significance for VPS13B-related condition. Last evaluated: 2023-11-22. Review status: no assertion criteria provided. Collection method: clinical testing. Allele origin: germline.
Comment: The VPS13B c.1844A>G variant is predicted to result in the amino acid substitution p.Asp615Gly. To our knowledge, this variant has not been reported in the literature or in a large population database, indicating this variant is rare. At this time, the clinical significance of this variant is uncertain due to the absence of conclusive functional and genetic evidence.

NM_152564.5(VPS13B):c.1844A>G (p.Asp615Gly)

Gene: VPS13B (vacuolar protein sorting 13 homolog B; plus strand). Cytogenetic location: 8q22.2.
Variant type: single nucleotide variant.
Coding change: c.1844A>G on transcript NM_152564.5 (MANE Select); coding-DNA position 1844, A replaced by G.
Protein change: p.Asp615Gly; replaces aspartic acid 615 with glycine.
Molecular consequence: missense variant.
Genome position (GRCh38, 1-based): chr8:99,147,841, A>G. VCF-style: chr8-99147841-A-G. GRCh37 (hg19) VCF-style: chr8-100160069-A-G.
Other names: c.1844A>G, p.Asp615Gly (NM_015243.3, NM_017890.5); short protein forms D615G.
Identifiers: ClinVar variation 3046392 (VCV003046392.2), dbSNP rs1810824306, ClinGen allele CA371864225.
Genomic context (GRCh38, chr8:99,147,841, plus strand): 5'-GTTGTTTAAGAATATTATTTAAAAATATTCTTTATTAATTTTTTATCATTTTAATTTTAG[A>G]TATTAAGGATGAAAATGAAACAATACTGAATCCTGAAGAGGTGGCTCTTCTGGAGGAATA-3'
Protein context (NP_689777.3, residues 605-625): EYEPYSRLKS[Asp615Gly]IKDENETILN